The following is an entry in ClinVar:

NM_002485.5(NBN):c.307G>T (p.Gly103Ter)

Gene: NBN (nibrin; minus strand). Cytogenetic location: 8q21.3.
Variant type: single nucleotide variant.
Coding change: c.307G>T on transcript NM_002485.5 (MANE Select); coding-DNA position 307, G replaced by T.
Protein change: p.Gly103Ter; replaces glycine 103 with a stop codon.
Molecular consequence: nonsense.
Genome position (GRCh38, 1-based): chr8:89,981,388, C>A on the plus strand (G>T on the coding strand, the complement: NBN is on the minus strand). VCF-style: chr8-89981388-C-A. GRCh37 (hg19) VCF-style: chr8-90993616-C-A.
Other names: c.61G>T, p.Gly21Ter (NM_001024688.3); short protein forms G103*, G21*.
Identifiers: ClinVar variation 1724842 (VCV001724842.2), dbSNP rs2129914127, ClinGen allele CA371662303.

ClinVar aggregate classification (germline): Likely pathogenic (1 of 4 stars; one submission).

Conditions:
Microcephaly, normal intelligence and immunodeficiency (NBS). Also called: Ataxia telangiectasia variant V1; IMMUNODEFICIENCY, MICROCEPHALY, AND CHROMOSOMAL INSTABILITY; SEEMANOVA SYNDROME II; Immunodeficiency, microcephaly with normal intelligence; Nijmegen breakage syndrome; Microcephaly with normal intelligence immunodeficiency and lymphoreticular malignancies. Identifiers: Orphanet 647, MedGen C0398791, MONDO:0009623, OMIM 251260.

Submission:

Myriad Genetics, Inc.
Classification: Likely pathogenic for Microcephaly, normal intelligence and immunodeficiency. Last evaluated: 2022-03-01. Review status: criteria provided, single submitter. Criteria: Myriad Women's Health Autosomal Recessive and X-Linked Classification Criteria (2021). Collection method: clinical testing. Allele origin: unknown.
Comment: NM_002485.4(NBN):c.307G>T(G103*) is expected to be pathogenic in the context of Nijmegen breakage syndrome. This variant is predicted to lead to an abnormal or absent protein product due to the creation of a premature termination codon in NBN, a gene where loss-of-function variants are known to be pathogenic. Please note: this variant was assessed in the context of healthy population screening.